The following is an entry in ClinVar:

NM_213655.5(WNK1):c.2147G>A (p.Arg716His)

Gene: WNK1 (WNK lysine deficient protein kinase 1; plus strand). Cytogenetic location: 12p13.33.
Variant type: single nucleotide variant.
Coding change: c.2147G>A on transcript NM_213655.5 (MANE Plus Clinical); coding-DNA position 2147, G replaced by A.
Protein change: p.Arg716His; replaces arginine 716 with histidine.
Molecular consequence: missense variant. On other transcripts: intron variant (3).
Genome position (GRCh38, 1-based): chr12:865,117, G>A. VCF-style: chr12-865117-G-A. GRCh37 (hg19) VCF-style: chr12-974283-G-A.
Other names: c.2140-2749G>A (NM_001184985.2); c.2139+2847G>A (NM_018979.4, NM_014823.3); short protein forms R716H.
Identifiers: ClinVar variation 853973 (VCV000853973.11), dbSNP rs150330647, ClinGen allele CA6382123.

ClinVar aggregate classification (germline): Uncertain significance. Review status: criteria provided, multiple submitters, no conflicts (2 of 4 stars). 2 submissions from 2 submitters: Uncertain significance (2). Last evaluated 2024-05-31.

Conditions:
Pseudohypoaldosteronism type 2C (PHA2C). Also called: Pseudohypoaldosteronism Type IIC. Identifiers: Orphanet 757, Orphanet 88940, MedGen C1840391, MONDO:0013778, OMIM 614492.
Neuropathy, hereditary sensory and autonomic, type 2A (HSAN2A). Also called: ACROOSTEOLYSIS, GIACCAI TYPE; ACROOSTEOLYSIS, NEUROGENIC; MORVAN DISEASE; NEUROPATHY, CONGENITAL SENSORY; NEUROPATHY, HEREDITARY SENSORY RADICULAR, AUTOSOMAL RECESSIVE; NEUROPATHY, HEREDITARY SENSORY, TYPE IIA. Identifiers: Orphanet 970, MedGen C2752089, MONDO:0024309, OMIM 201300.

Allele frequency attached by ClinVar (database versions not stated): gnomAD 0.00003 and 0.00005; TOPMed 0.00004; 1000 Genomes Project 30x 0.00016; ExAC 0.00018; 1000 Genomes Project 0.00020.
gnomAD v4.1: 65 of 1,516,326 alleles (0.0043%); highest among the groups gnomAD compares: Middle Eastern, 0.12%; 1 homozygote.

Submissions (2):

Labcorp Genetics (formerly Invitae), Labcorp
Classification: Uncertain significance for Neuropathy, hereditary sensory and autonomic, type 2A; Pseudohypoaldosteronism type 2C. Last evaluated: 2024-05-31. Review status: criteria provided, single submitter. Criteria: Invitae Variant Classification Sherloc (09022015). Collection method: clinical testing. Allele origin: germline.
Comment: This sequence change replaces arginine, which is basic and polar, with histidine, which is basic and polar, at codon 716 of the WNK1 protein (p.Arg716His). This variant is present in population databases (rs150330647, gnomAD 0.01%). This variant has not been reported in the literature in individuals affected with WNK1-related conditions. ClinVar contains an entry for this variant (Variation ID: 853973). Advanced modeling of protein sequence and biophysical properties (such as structural, functional, and spatial information, amino acid conservation, physicochemical variation, residue mobility, and thermodynamic stability) performed at Invitae indicates that this missense variant is not expected to disrupt WNK1 protein function with a negative predictive value of 95%. In summary, the available evidence is currently insufficient to determine the role of this variant in disease. Therefore, it has been classified as a Variant of Uncertain Significance.

Fulgent Genetics
Classification: Uncertain significance for Neuropathy, hereditary sensory and autonomic, type 2A; Pseudohypoaldosteronism type 2C. Last evaluated: 2022-04-25. Review status: criteria provided, single submitter. Criteria: ACMG Guidelines, 2015. Collection method: clinical testing. Allele origin: unknown.